The following is an entry in ClinVar:

NM_018062.4(FANCL):c.332A>G (p.Tyr111Cys)

Gene: FANCL (FA complementation group L; minus strand). Cytogenetic location: 2p16.1.
Variant type: single nucleotide variant.
Coding change: c.332A>G on transcript NM_018062.4 (MANE Select); coding-DNA position 332, A replaced by G.
Protein change: p.Tyr111Cys; replaces tyrosine 111 with cysteine.
Molecular consequence: missense variant.
Genome position (GRCh38, 1-based): chr2:58,221,984, T>C on the plus strand (A>G on the coding strand, the complement: FANCL is on the minus strand). VCF-style: chr2-58221984-T-C. GRCh37 (hg19) VCF-style: chr2-58449119-T-C.
Other names: c.332A>G, p.Tyr111Cys (NM_001114636.2, NM_001374615.1, NM_001410792.1); short protein forms Y111C.
Identifiers: ClinVar variation 526413 (VCV000526413.7), dbSNP rs757683704, ClinGen allele CA1670684.

ClinVar aggregate classification (germline): Uncertain significance. Review status: criteria provided, multiple submitters, no conflicts (2 of 4 stars). 2 submissions from 2 submitters: Uncertain significance (2). Last evaluated 2024-04-15.

Conditions:
Fanconi anemia (FA). Also called: Fanconi's anemia. Identifiers: Orphanet 84, MedGen C0015625, MeSH D005199, MONDO:0019391.
Fanconi anemia complementation group L (FANCL). Also called: FANCL-Related Fanconi Anemia. Identifiers: Orphanet 84, MedGen C3469528, MONDO:0013566, OMIM 614083.

Allele frequency attached by ClinVar (database versions not stated): ExAC 0.00001; gnomAD 0.00001; TOPMed 0.00001; gnomAD exomes 0.00002.
gnomAD v4.1: 19 of 1,613,378 alleles (0.0012%); highest among the groups gnomAD compares: Non-Finnish European, 0.0016%; no homozygotes.

Submissions (2):

Fulgent Genetics
Classification: Uncertain significance for Fanconi anemia complementation group L. Last evaluated: 2024-04-15. Review status: criteria provided, single submitter. Criteria: ACMG Guidelines, 2015. Collection method: clinical testing. Allele origin: germline.

Labcorp Genetics (formerly Invitae), Labcorp
Classification: Uncertain significance for Fanconi anemia. Last evaluated: 2022-07-19. Review status: criteria provided, single submitter. Criteria: Invitae Variant Classification Sherloc (09022015). Collection method: clinical testing. Allele origin: germline.
Comment: This sequence change replaces tyrosine, which is neutral and polar, with cysteine, which is neutral and slightly polar, at codon 111 of the FANCL protein (p.Tyr111Cys). This variant is present in population databases (rs757683704, gnomAD 0.005%). This variant has not been reported in the literature in individuals affected with FANCL-related conditions. ClinVar contains an entry for this variant (Variation ID: 526413). Algorithms developed to predict the effect of missense changes on protein structure and function output the following: SIFT: "Tolerated"; PolyPhen-2: "Possibly Damaging"; Align-GVGD: "Class C0". The cysteine amino acid residue is found in multiple mammalian species, which suggests that this missense change does not adversely affect protein function. In summary, the available evidence is currently insufficient to determine the role of this variant in disease. Therefore, it has been classified as a Variant of Uncertain Significance.